The following is an entry in ClinVar:

ClinVar aggregate classification (germline): Uncertain significance (1 of 4 stars; one submission).

Conditions:
Spastic paraplegia. Identifiers: MedGen C0037772, HP:0001258.

Submission:

Labcorp Genetics (formerly Invitae), Labcorp
Classification: Uncertain significance for Spastic paraplegia. Last evaluated: 2023-11-05. Review status: criteria provided, single submitter. Criteria: Invitae Variant Classification Sherloc (09022015). Collection method: clinical testing. Allele origin: germline.
Comment: This sequence change replaces histidine, which is basic and polar, with arginine, which is basic and polar, at codon 914 of the KIF5A protein (p.His914Arg). This variant is not present in population databases (gnomAD no frequency). This variant has not been reported in the literature in individuals affected with KIF5A-related conditions. ClinVar contains an entry for this variant (Variation ID: 863556). Advanced modeling of protein sequence and biophysical properties (such as structural, functional, and spatial information, amino acid conservation, physicochemical variation, residue mobility, and thermodynamic stability) has been performed at Invitae for this missense variant, however the output from this modeling did not meet the statistical confidence thresholds required to predict the impact of this variant on KIF5A protein function. In summary, the available evidence is currently insufficient to determine the role of this variant in disease. Therefore, it has been classified as a Variant of Uncertain Significance.

NM_004984.4(KIF5A):c.2741A>G (p.His914Arg)

Gene: KIF5A (kinesin family member 5A; plus strand). Cytogenetic location: 12q13.3.
Variant type: single nucleotide variant.
Coding change: c.2741A>G on transcript NM_004984.4 (MANE Select); coding-DNA position 2741, A replaced by G.
Protein change: p.His914Arg; replaces histidine 914 with arginine.
Molecular consequence: missense variant.
Genome position (GRCh38, 1-based): chr12:57,581,158, A>G. VCF-style: chr12-57581158-A-G. GRCh37 (hg19) VCF-style: chr12-57974941-A-G.
Other names: c.2474A>G, p.His825Arg (NM_001354705.2); short protein forms H914R, H825R.
Identifiers: ClinVar variation 863556 (VCV000863556.9), dbSNP rs1882585121, ClinGen allele CA385515406.